The following is an entry in ClinVar:

ClinVar aggregate classification (germline): Benign. Review status: criteria provided, multiple submitters, no conflicts (2 of 4 stars). 2 submissions from 2 submitters: Benign (2). Last evaluated 2018-01-12.

Conditions:
Gaze palsy, familial horizontal, with progressive scoliosis 1 (HGPPS1). Identifiers: Orphanet 2744, MedGen C4551964, MONDO:0020790, OMIM 607313.

Allele frequency attached by ClinVar (database versions not stated): 1000 Genomes Project 0.00839; 1000 Genomes Project 30x 0.00859; gnomAD exomes 0.01864; gnomAD 0.01978 and 0.02079; TOPMed 0.02114; ESP Exome Variant Server 0.02358; ExAC 0.02479.
gnomAD v4.1: 45,061 of 1,604,962 alleles (2.8%); highest among the groups gnomAD compares: Non-Finnish European, 3.4%; 747 homozygotes.

Submissions (2):

Illumina Laboratory Services, Illumina
Classification: Benign for Gaze palsy, familial horizontal, with progressive scoliosis 1. Last evaluated: 2018-01-12. Review status: criteria provided, single submitter. Criteria: ICSL Variant Classification Criteria 13 December 2019. Collection method: clinical testing. Allele origin: germline.
Comment: This variant was observed in the ICSL laboratory as part of a predisposition screen in an ostensibly healthy population. It had not been previously curated by ICSL or reported in the Human Gene Mutation Database (HGMD: prior to June 1st, 2018), and was therefore a candidate for classification through an automated scoring system. Utilizing variant allele frequency, disease prevalence and penetrance estimates, and inheritance mode, an automated score was calculated to assess if this variant is too frequent to cause the disease. Based on the score and internal cut-off values, a variant classified as benign is not then subjected to further curation. The score for this variant resulted in a classification of benign for this disease.

Breakthrough Genomics
Classification: Benign. Review status: criteria provided, single submitter. Criteria: ACMG Guidelines, 2015. Collection method: not provided. Allele origin: germline. Inheritance: Autosomal recessive inheritance. Affected: yes.

NM_022370.4(ROBO3):c.4150-8C>T

Gene: ROBO3 (roundabout guidance receptor 3; plus strand). Cytogenetic location: 11q24.2.
Variant type: single nucleotide variant.
Coding change: c.4150-8C>T on transcript NM_022370.4 (MANE Select); 8 bases into the intron before coding-DNA position 4150, C replaced by T.
Molecular consequence: intron variant.
Genome position (GRCh38, 1-based): chr11:124,881,231, C>T. VCF-style: chr11-124881231-C-T. GRCh37 (hg19) VCF-style: chr11-124751127-C-T.
Other names: c.1297-8C>T (NM_001370356.1, NM_001370357.1, NM_001370358.1 and 2 more transcripts); c.1102-8C>T (NM_001370364.1, NM_001370366.1).
Identifiers: ClinVar variation 303283 (VCV000303283.6), dbSNP rs147605571, ClinGen allele CA6344400.